The following is an entry in ClinVar:

ClinVar aggregate classification (germline): Benign (1 of 4 stars; one submission).

Submission:

GeneDx
Classification: Benign. Last evaluated: 2018-06-19. Review status: criteria provided, single submitter. Criteria: GeneDx Variant Classification (06012015). Collection method: clinical testing. Allele origin: germline. Affected: yes.
Comment: This variant is considered likely benign or benign based on one or more of the following criteria: it is a conservative change, it occurs at a poorly conserved position in the protein, it is predicted to be benign by multiple in silico algorithms, and/or has population frequency not consistent with disease.

NM_002206.3(ITGA7):c.2958+106_2958+107insA

Gene: ITGA7 (integrin subunit alpha 7; minus strand). Cytogenetic location: 12q13.2.
Variant type: Insertion.
Coding change: c.2958+106_2958+107insA on transcript NM_002206.3 (MANE Select); bases 106 to 107 of the intron after coding-DNA position 2958, A inserted.
Molecular consequence: intron variant.
Genome position: GRCh38 VCF-style: chr12-55688737-G-GT. GRCh37 (hg19) VCF-style: chr12-56082521-G-GT.
Other names: c.2679+106_2679+107insA (NM_001144997.2); c.2631+106_2631+107insA (NM_001367993.1); c.2619+106_2619+107insA (NM_001414035.1); c.2775+106_2775+107insA (NM_001414033.1); c.1614+106_1614+107insA (NM_001367994.1); c.2838+106_2838+107insA (NM_001414032.1); c.2871+106_2871+107insA (NM_001414031.1); c.2940+106_2940+107insA (NM_001374465.1); and 5 more.
Identifiers: ClinVar variation 677463 (VCV000677463.1), dbSNP rs57885211, ClinGen allele CA237561072.
Genomic context (GRCh38, chr12:55,688,737, plus strand): 5'-CGCACCACTGCACTCCAGCCTGGGGGACAAAGGAAGACTCCGTCTCAAAAAAAAAAAAAA[G>GT]GGGGGGGATGCTGCATTTGGACAGTGAGGAAGGAGGAGGAGAAATGAGTCCTGGAGGGGC-3'